The following is an entry in ClinVar:

ClinVar aggregate classification (germline): Uncertain significance (1 of 4 stars; one submission).

Conditions:
DICER1-related tumor predisposition. Also called: DICER1-related pleuropulmonary blastoma cancer predisposition syndrome; DICER1 syndrome. Identifiers: Orphanet 284343, MedGen C3839822, MONDO:0100216.

Submission:

Labcorp Genetics (formerly Invitae), Labcorp
Classification: Uncertain significance for DICER1-related tumor predisposition. Last evaluated: 2024-12-05. Review status: criteria provided, single submitter. Criteria: Invitae Variant Classification Sherloc (09022015). Collection method: clinical testing. Allele origin: germline.
Comment: This sequence change replaces valine, which is neutral and non-polar, with leucine, which is neutral and non-polar, at codon 1080 of the DICER1 protein (p.Val1080Leu). This variant is not present in population databases (gnomAD no frequency). This variant has not been reported in the literature in individuals affected with DICER1-related conditions. ClinVar contains an entry for this variant (Variation ID: 2874947). Invitae Evidence Modeling of protein sequence and biophysical properties (such as structural, functional, and spatial information, amino acid conservation, physicochemical variation, residue mobility, and thermodynamic stability) indicates that this missense variant is not expected to disrupt DICER1 protein function with a negative predictive value of 95%. In summary, the available evidence is currently insufficient to determine the role of this variant in disease. Therefore, it has been classified as a Variant of Uncertain Significance.

NM_177438.3(DICER1):c.3238G>T (p.Val1080Leu)

Gene: DICER1 (dicer 1, ribonuclease III; minus strand). Cytogenetic location: 14q32.13.
Variant type: single nucleotide variant.
Coding change: c.3238G>T on transcript NM_177438.3 (MANE Select); coding-DNA position 3238, G replaced by T.
Protein change: p.Val1080Leu; replaces valine 1080 with leucine.
Molecular consequence: missense variant. On other transcripts: non-coding transcript variant (6).
Genome position (GRCh38, 1-based): chr14:95,105,102, C>A on the plus strand (G>T on the coding strand, the complement: DICER1 is on the minus strand). VCF-style: chr14-95105102-C-A. GRCh37 (hg19) VCF-style: chr14-95571439-C-A.
Other names: c.3238G>T, p.Val1080Leu (NM_001195573.1, NM_001271282.3, NM_001291628.2 and 13 more transcripts); c.2956G>T, p.Val986Leu (NM_001395686.1); c.2833G>T, p.Val945Leu (NM_001395687.1, NM_001395688.1, NM_001395689.1 and 2 more transcripts); c.2671G>T, p.Val891Leu (NM_001395691.1); c.1555G>T, p.Val519Leu (NM_001395697.1); short protein forms V945L, V1080L, V519L, V891L, V986L.
Identifiers: ClinVar variation 2874947 (VCV002874947.3), dbSNP rs1595370568, ClinGen allele CA390876379.